The following is an entry in ClinVar:

NM_152564.5(VPS13B):c.2001T>A (p.Ile667=)

Gene: VPS13B (vacuolar protein sorting 13 homolog B; plus strand). Cytogenetic location: 8q22.2.
Variant type: single nucleotide variant.
Coding change: c.2001T>A on transcript NM_152564.5 (MANE Select); coding-DNA position 2001, T replaced by A.
Protein change: p.Ile667=; no amino-acid change (isoleucine 667 retained).
Molecular consequence: synonymous variant.
Genome position (GRCh38, 1-based): chr8:99,147,998, T>A. VCF-style: chr8-99147998-T-A. GRCh37 (hg19) VCF-style: chr8-100160226-T-A.
Other names: c.2001T>A, p.Ile667= (NM_015243.3, NM_017890.5); c.2001T>A (NM_152564.4).
Identifiers: ClinVar variation 1086466 (VCV001086466.10), dbSNP rs747119024, ClinGen allele CA4822791.
Genomic context (GRCh38, chr8:99,147,998, plus strand): 5'-ATGTACCTGCACAATTTCCATGGCTGAATTCAACTTGCTGGACCATTTACTACCTGTCAT[T>A]ATGGGAGAAAAGGTATATTTTGTGATTTGCTATATTTTTTTTCCCTCATATATGGATTTT-3'
Protein context (NP_689777.3, residues 657-677): FNLLDHLLPV[Ile667=]MGEKNSSNFM

ClinVar aggregate classification (germline): Likely benign. Review status: criteria provided, single submitter (1 of 4 stars). 2 submissions from 2 submitters: Likely benign (1). 1 of the submissions does not count toward it. Last evaluated 2025-06-18.

Conditions:
Cohen syndrome (COH1). Also called: Cutis verticis gyrata, retinitis pigmentosa, and sensorineural deafness; PEPPER SYNDROME. Identifiers: Orphanet 193, MedGen C0265223, MONDO:0008999, OMIM 216550.
VPS13B-related disorder. Also called: VPS13B-related condition.

Allele frequency attached by ClinVar (database versions not stated): gnomAD exomes below 0.00001; ExAC 0.00001; TOPMed 0.00001.
gnomAD v4.1: 3 of 1,613,354 alleles (0.00019%); highest among the groups gnomAD compares: Non-Finnish European, 0.00017%; no homozygotes.

Submissions (2):

Labcorp Genetics (formerly Invitae), Labcorp
Classification: Likely benign for Cohen syndrome. Last evaluated: 2025-06-18. Review status: criteria provided, single submitter. Criteria: Invitae Variant Classification Sherloc (09022015). Collection method: clinical testing. Allele origin: germline.

PreventionGenetics, part of Exact Sciences
Classification: Likely benign for VPS13B-related condition. Last evaluated: 2024-02-27. Review status: no assertion criteria provided. Collection method: clinical testing. Allele origin: germline. Not counted in ClinVar's aggregate classification.
Comment: This variant is classified as likely benign based on ACMG/AMP sequence variant interpretation guidelines (Richards et al. 2015 PMID: 25741868, with internal and published modifications).